The following is an entry in ClinVar:

NM_033380.3(COL4A5):c.2641G>C (p.Gly881Arg)

Gene: COL4A5 (collagen type IV alpha 5 chain; plus strand). Cytogenetic location: Xq22.3.
Variant type: single nucleotide variant.
Coding change: c.2641G>C on transcript NM_033380.3 (MANE Select); coding-DNA position 2641, G replaced by C.
Protein change: p.Gly881Arg; replaces glycine 881 with arginine.
Molecular consequence: missense variant.
Genome position (GRCh38, 1-based): chrX:108,620,390, G>C. VCF-style: chrX-108620390-G-C. GRCh37 (hg19) VCF-style: chrX-107863620-G-C.
Other names: c.2641G>C, p.Gly881Arg (NM_000495.5); short protein forms G881R.
Identifiers: ClinVar variation 4819040 (VCV004819040.1).

ClinVar aggregate classification (germline): Pathogenic (1 of 4 stars; one submission).

Conditions:
X-linked Alport syndrome (ATS1). Also called: NEPHROPATHY AND DEAFNESS, X-LINKED; COL4A5-Related Nephropathy. Identifiers: Orphanet 63, Orphanet 88917, MedGen C4746986, MONDO:0010520, OMIM 301050.

Submission:

Victorian Clinical Genetics Services, Murdoch Childrens Research Institute
Classification: Pathogenic for X-linked Alport syndrome. Last evaluated: 2025-11-24. Review status: criteria provided, single submitter. Criteria: ACMG Guidelines, 2015. Collection method: clinical testing. Allele origin: germline. Affected: yes.
Comment: This variant is classified as Pathogenic. Evidence in support of pathogenic classification: Variant is absent from gnomAD (v2, v3 and v4); This variant has moderate previous evidence of pathogenicity in unrelated individuals. An alternate nucleotide change resulting in the same protein outcome (c.2641G>A; p.(Gly881Arg)) has been classified as pathogenic by a clinical laboratory in ClinVar, and has been reported in the literature in multiple families with features of COL4A5-related disease (PMID: 34540022, 40855356); Other missense variant(s) comparable to the one identified in this case have moderate previous evidence for pathogenicity. p.(Gly881Val) has been classified as likely pathogenic by a clinical laboratory in ClinVar. p.(Gly881Glu) has been reported in the literature in an individual with proteinuria and haematuria (PMID: 38249544). - Variant is located in the well-established triple helical G-X-Y repeat region and affects a glycine residue (DECIPHER); Missense variant predicted to be damaging by in silico tool(s) or highly conserved with a major amino acid change. Additional information: Variant is predicted to result in a missense amino acid change from Gly to Arg; This variant is hemizygous; This gene is associated with X-linked dominant disease. Males are typically more severely affected than females (PMID: 19965530); No published functional evidence has been identified for this variant; Dominant negative and loss of function are known mechanisms of disease in this gene and are associated with X-linked Alport syndrome 1 (MIM#301050). Dominant negative is caused mostly by glycine substitutions that affect the conformation of the protein, and loss of function can be caused by either protein truncating or missense variants (PMID: 24046192, 12028435); Variants in this gene are known to have variable expressivity. There is intrafamilial variability among affected carrier females, possibly due to variable X-inactivation (PMID: 14514738); Inheritance information for this variant is not currently available in this individual.

Literature cited by the submitters: PubMed 12028435; PubMed 40855356; PubMed 19965530; PubMed 24046192; PubMed 34540022; PubMed 14514738; PubMed 38249544.